The following is an entry in ClinVar:

ClinVar aggregate classification (germline): Uncertain significance (1 of 4 stars; one submission).

Submission:

GeneDx
Classification: Uncertain significance. Last evaluated: 2023-12-20. Review status: criteria provided, single submitter. Criteria: GeneDx Variant Classification Process June 2021. Collection method: clinical testing. Allele origin: germline. Affected: yes.
Comment: Frameshift variant predicted to result in abnormal protein length as the last 97 amino acids are replaced with 1 different amino acid; Not observed at significant frequency in large population cohorts (gnomAD); Has not been previously published as pathogenic or benign to our knowledge

NM_007118.4(TRIO):c.9000del (p.Cys3001fs)

Gene: TRIO (trio Rho guanine nucleotide exchange factor; plus strand). Cytogenetic location: 5p15.2.
Variant type: Deletion.
Coding change: c.9000del on transcript NM_007118.4 (MANE Select); coding-DNA position 9000, one base deleted (C; older notation c.9000delC).
Protein change: p.Cys3001fs; shifts the reading frame from cysteine 3001.
Molecular consequence: frameshift variant. On other transcripts: non-coding transcript variant (1).
Genome position (GRCh38, 1-based): chr5:14,508,128, C deleted; the last of 2 consecutive C bases (chr5:14,508,127-14,508,128); deleting either gives the same sequence. VCF-style (leftmost placement, unchanged base first): chr5-14508126-AC-A. GRCh37 (hg19) VCF-style: chr5-14508235-AC-A.
Other names: short protein forms C3001fs.
Identifiers: ClinVar variation 3365745 (VCV003365745.1).